The following is an entry in ClinVar:

NM_020937.4(FANCM):c.2578G>T (p.Glu860Ter)

Gene: FANCM (FA complementation group M; plus strand). Cytogenetic location: 14q21.2.
Variant type: single nucleotide variant.
Coding change: c.2578G>T on transcript NM_020937.4 (MANE Select); coding-DNA position 2578, G replaced by T.
Protein change: p.Glu860Ter; replaces glutamic acid 860 with a stop codon.
Molecular consequence: nonsense.
Genome position (GRCh38, 1-based): chr14:45,175,332, G>T. VCF-style: chr14-45175332-G-T. GRCh37 (hg19) VCF-style: chr14-45644535-G-T.
Other names: c.2500G>T, p.Glu834Ter (NM_001308133.2); short protein forms E834*, E860*.
Identifiers: ClinVar variation 856992 (VCV000856992.10), dbSNP rs1383262366, ClinGen allele CA389598153.
Genomic context (GRCh38, chr14:45,175,332, plus strand): 5'-GTTAAACAAACTCATATCAAACCTACTAAAATTGTTTCTTTAAAGAAAAAAGTGTCTAAA[G>T]AAATAAAAAAAGATCAGCTTAAAAAAGAAAATAATCACGGTATTATAGATTCTGTAGATA-3'

ClinVar aggregate classification (germline): Pathogenic/Likely pathogenic. Review status: criteria provided, multiple submitters, no conflicts (2 of 4 stars). 2 submissions from 2 submitters: Pathogenic (1); Likely pathogenic (1). Last evaluated 2024-06-02.

Conditions:
Fanconi anemia (FA). Also called: Fanconi's anemia. Identifiers: Orphanet 84, MedGen C0015625, MeSH D005199, MONDO:0019391.

Allele frequency attached by ClinVar (database versions not stated): gnomAD 0.00001; gnomAD exomes below 0.00001; TOPMed 0.00001.
gnomAD v4.1: 11 of 1,558,424 alleles (0.00071%); highest among the groups gnomAD compares: Non-Finnish European, 0.00078%; no homozygotes.

Submissions (2):

Labcorp Genetics (formerly Invitae), Labcorp
Classification: Pathogenic for Fanconi anemia. Last evaluated: 2024-06-02. Review status: criteria provided, single submitter. Criteria: Invitae Variant Classification Sherloc (09022015). Collection method: clinical testing. Allele origin: germline.
Comment: This sequence change creates a premature translational stop signal (p.Glu860*) in the FANCM gene. It is expected to result in an absent or disrupted protein product. Loss-of-function variants in FANCM are known to be pathogenic (PMID: 29895858, 30075111). The frequency data for this variant in the population databases is considered unreliable, as metrics indicate poor data quality at this position in the gnomAD database. This premature translational stop signal has been observed in individual(s) with ovarian cancer (PMID: 28881617). ClinVar contains an entry for this variant (Variation ID: 856992). For these reasons, this variant has been classified as Pathogenic.

GeneDx
Classification: Likely pathogenic. Last evaluated: 2023-01-20. Review status: criteria provided, single submitter. Criteria: GeneDx Variant Classification Process June 2021. Collection method: clinical testing. Allele origin: germline. Affected: yes.
Comment: Nonsense variant predicted to result in nonsense mediated decay in a gene for which loss of function is a known mechanism of disease; Not observed at significant frequency in large population cohorts (gnomAD); Observed in individuals with breast and ovarian cancer (Dicks et al., 2017; Ma et al., 2021); This variant is associated with the following publications: (PMID: 33151324, 28881617)

Literature cited by the submitters: PubMed 29895858 (cited by Labcorp Genetics (formerly Invitae), Labcorp); PubMed 30075111 (cited by Labcorp Genetics (formerly Invitae), Labcorp); PubMed 28881617 (cited by Labcorp Genetics (formerly Invitae), Labcorp).